The following is an entry in ClinVar:

NM_000383.4(AIRE):c.328C>T (p.Arg110Trp)

Gene: AIRE (autoimmune regulator; plus strand). Cytogenetic location: 21q22.3.
Variant type: single nucleotide variant.
Coding change: c.328C>T on transcript NM_000383.4 (MANE Select); coding-DNA position 328, C replaced by T.
Protein change: p.Arg110Trp; replaces arginine 110 with tryptophan.
Molecular consequence: missense variant.
Genome position (GRCh38, 1-based): chr21:44,286,998, C>T. VCF-style: chr21-44286998-C-T. GRCh37 (hg19) VCF-style: chr21-45706881-C-T.
Other names: c.328C>T (NM_000383.3); short protein forms R110W.
Identifiers: ClinVar variation 989630 (VCV000989630.3), dbSNP rs764029559, ClinGen allele CA10051531.

ClinVar aggregate classification (germline): Uncertain significance. Review status: criteria provided, multiple submitters, no conflicts (2 of 4 stars). 3 submissions from 3 submitters: Uncertain significance (2). 1 of the submissions does not count toward it. Last evaluated 2026-06-29.

Conditions:
Polyglandular autoimmune syndrome, type 1 (APS1). Also called: HYPOADRENOCORTICISM WITH HYPOPARATHYROIDISM AND SUPERFICIAL MONILIASIS; AUTOIMMUNE POLYENDOCRINE SYNDROME, TYPE I, WITH OR WITHOUT REVERSIBLE METAPHYSEAL DYSPLASIA; PGA I; Whitaker syndrome; APS I; Autoimmune polyendocrine syndrome type 1. Identifiers: Orphanet 3453, MedGen C0085859, MONDO:0009411, OMIM 240300.
AIRE-related disorder. Also called: AIRE-related condition.

Allele frequency attached by ClinVar (database versions not stated): gnomAD exomes 0.00001 and 0.00002; ExAC 0.00003; gnomAD 0.00003 and 0.00004; TOPMed 0.00003.

Submissions (3):

PreventionGenetics, part of Exact Sciences
Classification: Uncertain significance for AIRE-related condition. Last evaluated: 2026-06-29. Review status: criteria provided, single submitter. Criteria: ACMG Guidelines, 2015. Collection method: clinical testing. Allele origin: germline.
Comment: The AIRE c.328C>T variant is predicted to result in the amino acid substitution p.Arg110Trp. To our knowledge, this variant has not been reported in the literature. This variant is reported in 0.0057% of alleles in individuals of Latino descent in gnomAD. At this time, the clinical significance of this variant is uncertain due to the absence of conclusive functional and genetic evidence.

Blueprint Genetics
Classification: Uncertain significance. Last evaluated: 2024-07-17. Review status: criteria provided, single submitter. Criteria: ACMG Guidelines, 2015. Collection method: clinical testing. Allele origin: germline.

Natera, Inc.
Classification: Uncertain significance for Polyglandular autoimmune syndrome type 1. Last evaluated: 2020-04-20. Review status: no assertion criteria provided. Collection method: clinical testing. Allele origin: germline. Not counted in ClinVar's aggregate classification.